The following is an entry in ClinVar:

NC_000009.11:g.(?_123768177)_(123770796_?)del

Gene: C5 (complement C5; minus strand). Cytogenetic location: 9q33.2.
Variant type: Deletion.
Identifiers: ClinVar variation 3245305 (VCV003245305.1).

ClinVar aggregate classification (germline): Pathogenic (1 of 4 stars; one submission).

Submission:

Labcorp Genetics (formerly Invitae), Labcorp
Classification: Pathogenic. Last evaluated: 2022-11-20. Review status: criteria provided, single submitter. Criteria: Invitae Variant Classification Sherloc (09022015). Collection method: clinical testing. Allele origin: unknown.
Comment: For these reasons, this variant has been classified as Pathogenic. This variant has not been reported in the literature in individuals affected with C5-related conditions. This variant is a gross deletion of the genomic region encompassing exon(s) 18-20 of the C5 gene. This deletion is out-of-frame, and is expected to create a premature termination codon and result in an absent or disrupted protein product. Loss-of-function variants in C5 are known to be pathogenic (PMID: 7730648, 19414197, 27026170).

Literature cited by the submitters: PubMed 7730648; PubMed 19414197; PubMed 27026170.